The following is an entry in ClinVar:

NM_007294.4(BRCA1):c.134+1936C>G

Gene: BRCA1 (BRCA1 DNA repair associated; minus strand). Cytogenetic location: 17q21.31.
Variant type: single nucleotide variant.
Coding change: c.134+1936C>G on transcript NM_007294.4 (MANE Select); 1936 bases into the intron after coding-DNA position 134, C replaced by G.
Molecular consequence: intron variant.
Genome position (GRCh38, 1-based): chr17:43,113,790, G>C on the plus strand (C>G on the coding strand, the complement: BRCA1 is on the minus strand). VCF-style: chr17-43113790-G-C. GRCh37 (hg19) VCF-style: chr17-41265807-G-C.
Other names: IVS 3+1936C>G; c.-8+1936C>G (NM_001408458.1, NM_001408470.1, NM_001407848.1 and 47 more transcripts); c.-219+11487C>G (NM_001407967.1); c.-169-8834C>G (NM_001407959.1, NM_001407963.1); c.-7-7257C>G (NM_001407931.1, NM_001407747.1, NM_001408461.1 and 30 more transcripts); c.-170+1936C>G (NM_001407962.1, NM_001408512.1, NM_001408510.1 and 1 more transcripts); c.-55+1936C>G (NM_001407885.1, NM_001407886.1, NM_001408509.1 and 52 more transcripts); c.-124+1936C>G (NM_001407746.1, NM_001408468.1, NM_001407842.1 and 13 more transcripts); and 10 more.
Identifiers: ClinVar variation 209525 (VCV000209525.2), dbSNP rs8176108, ClinGen allele CA276494.

ClinVar aggregate classification (germline): Benign (3 of 4 stars; one submission).

Conditions:
Breast-ovarian cancer, familial, susceptibility to, 1 (BROVCA1). Also called: BRCA1 Hereditary Breast and Ovarian Cancer; OVARIAN CANCER, SUSCEPTIBILITY TO. Identifiers: Orphanet 145, MedGen C2676676, MONDO:0011450, OMIM 604370. Disease mechanism: loss of function.

Allele frequency attached by ClinVar (database versions not stated): gnomAD 0.01491 and 0.01581; TOPMed 0.01722; 1000 Genomes Project 0.01797; 1000 Genomes Project 30x 0.01936.
gnomAD v4.1: 2,239 of 151,934 alleles (1.5%); highest among the groups gnomAD compares: African/African-American, 5.1%; 47 homozygotes.

Submission:

Evidence-based Network for the Interpretation of Germline Mutant Alleles (ENIGMA)
Classification: Benign for Breast-ovarian cancer, familial 1. Last evaluated: 2015-01-12. Review status: reviewed by expert panel. Criteria: ENIGMA BRCA1/2 Classification Criteria (2015). Collection method: curation. Allele origin: germline.
Comment: Class 1 not pathogenic based on frequency >1% in an outbred sampleset. Frequency 0.05285 (African), derived from 1000 genomes (2012-04-30).